The following is an entry in ClinVar:

NM_004725.4(BUB3):c.119G>A (p.Arg40His)

Genes: BUB3 (BUB3 mitotic checkpoint protein; plus strand), LOC130004885 (ATAC-STARR-seq lymphoblastoid active region 4151; plus strand). Cytogenetic location: 10q26.13.
Variant type: single nucleotide variant.
Coding change: c.119G>A on transcript NM_004725.4 (MANE Select); coding-DNA position 119, G replaced by A.
Protein change: p.Arg40His; replaces arginine 40 with histidine.
Molecular consequence: missense variant.
Genome position (GRCh38, 1-based): chr10:123,155,036, G>A. VCF-style: chr10-123155036-G-A. GRCh37 (hg19) VCF-style: chr10-124914552-G-A.
Other names: c.119G>A, p.Arg40His (NM_001007793.3); short protein forms R40H.
Identifiers: ClinVar variation 1746886 (VCV001746886.3), dbSNP rs936020139, ClinGen allele CA215181137.

ClinVar aggregate classification (germline): Uncertain significance (1 of 4 stars; one submission).

Allele frequency attached by ClinVar (database versions not stated): gnomAD 0.00002; TOPMed 0.00002.
gnomAD v4.1: 3 of 1,614,052 alleles (0.00019%); highest among the groups gnomAD compares: African/African-American, 0.004%; no homozygotes.

Submission:

Ambry Genetics
Classification: Uncertain significance. Last evaluated: 2023-07-08. Review status: criteria provided, single submitter. Criteria: Ambry Variant Classification Scheme 2023. Collection method: clinical testing. Allele origin: germline.
Comment: The p.R40H variant (also known as c.119G>A), located in coding exon 1 of the BUB3 gene, results from a G to A substitution at nucleotide position 119. The arginine at codon 40 is replaced by histidine, an amino acid with highly similar properties. This amino acid position is conserved. In addition, this alteration is predicted to be deleterious by in silico analysis. Since supporting evidence is limited at this time, the clinical significance of this alteration remains unclear.